The following is an entry in ClinVar:

NM_006514.4(SCN10A):c.4613G>T (p.Gly1538Val)

Gene: SCN10A (sodium voltage-gated channel alpha subunit 10; minus strand). Cytogenetic location: 3p22.2.
Variant type: single nucleotide variant.
Coding change: c.4613G>T on transcript NM_006514.4 (MANE Select); coding-DNA position 4613, G replaced by T.
Protein change: p.Gly1538Val; replaces glycine 1538 with valine.
Molecular consequence: missense variant.
Genome position (GRCh38, 1-based): chr3:38,701,883, C>A on the plus strand (G>T on the coding strand, the complement: SCN10A is on the minus strand). VCF-style: chr3-38701883-C-A. GRCh37 (hg19) VCF-style: chr3-38743374-C-A.
Other names: c.4610G>T, p.Gly1537Val (NM_001293306.2); c.4319G>T, p.Gly1440Val (NM_001293307.2); short protein forms G1440V, G1537V, G1538V.
Identifiers: ClinVar variation 3793155 (VCV003793155.1).

ClinVar aggregate classification (germline): Uncertain significance (1 of 4 stars; one submission).

Conditions:
Cardiovascular phenotype. Identifiers: MedGen CN230736.

Submission:

Ambry Genetics
Classification: Uncertain significance for Cardiovascular phenotype. Last evaluated: 2025-03-03. Review status: criteria provided, single submitter. Criteria: Ambry Variant Classification Scheme 2023. Collection method: clinical testing. Allele origin: germline.
Comment: The p.G1538V variant (also known as c.4613G>T), located in coding exon 26 of the SCN10A gene, results from a G to T substitution at nucleotide position 4613. The glycine at codon 1538 is replaced by valine, an amino acid with dissimilar properties. This amino acid position is conserved. In addition, this alteration is predicted to be deleterious by in silico analysis. Based on the available evidence, the clinical significance of this variant remains unclear.